The following is an entry in ClinVar:

NM_005477.3(HCN4):c.1256T>G (p.Val419Gly)

Gene: HCN4 (hyperpolarization activated cyclic nucleotide gated potassium channel 4; minus strand). Cytogenetic location: 15q24.1.
Variant type: single nucleotide variant.
Coding change: c.1256T>G on transcript NM_005477.3 (MANE Select); coding-DNA position 1256, T replaced by G.
Protein change: p.Val419Gly; replaces valine 419 with glycine.
Molecular consequence: missense variant.
Genome position (GRCh38, 1-based): chr15:73,332,246, A>C on the plus strand (T>G on the coding strand, the complement: HCN4 is on the minus strand). VCF-style: chr15-73332246-A-C. GRCh37 (hg19) VCF-style: chr15-73624587-A-C.
Other names: short protein forms V419G.
Identifiers: ClinVar variation 2055013 (VCV002055013.4), dbSNP rs2549072078, ClinGen allele CA393094495.

ClinVar aggregate classification (germline): Uncertain significance (1 of 4 stars; one submission).

Conditions:
Brugada syndrome 8 (BRGDA8). Identifiers: Orphanet 130, MedGen C2751083, MONDO:0013148, OMIM 613123.

Submission:

Labcorp Genetics (formerly Invitae), Labcorp
Classification: Uncertain significance for Brugada syndrome 8. Last evaluated: 2022-07-22. Review status: criteria provided, single submitter. Criteria: Invitae Variant Classification Sherloc (09022015). Collection method: clinical testing. Allele origin: germline.
Comment: In summary, the available evidence is currently insufficient to determine the role of this variant in disease. Therefore, it has been classified as a Variant of Uncertain Significance. Algorithms developed to predict the effect of missense changes on protein structure and function are either unavailable or do not agree on the potential impact of this missense change (SIFT: "Deleterious"; PolyPhen-2: "Not Available"; Align-GVGD: "Class C65"). This variant has not been reported in the literature in individuals affected with HCN4-related conditions. This variant is not present in population databases (gnomAD no frequency). This sequence change replaces valine, which is neutral and non-polar, with glycine, which is neutral and non-polar, at codon 419 of the HCN4 protein (p.Val419Gly).